The following is an entry in ClinVar:

NM_001134831.2(AHI1):c.1924C>T (p.Pro642Ser)

Gene: AHI1 (Abelson helper integration site 1; minus strand). Cytogenetic location: 6q23.3.
Variant type: single nucleotide variant.
Coding change: c.1924C>T on transcript NM_001134831.2 (MANE Select); coding-DNA position 1924, C replaced by T.
Protein change: p.Pro642Ser; replaces proline 642 with serine.
Molecular consequence: missense variant.
Genome position (GRCh38, 1-based): chr6:135,438,487, G>A on the plus strand (C>T on the coding strand, the complement: AHI1 is on the minus strand). VCF-style: chr6-135438487-G-A. GRCh37 (hg19) VCF-style: chr6-135759625-G-A.
Other names: c.1924C>T, p.Pro642Ser (NM_001134830.2, NM_001134832.2, NM_001350503.2 and 2 more transcripts); short protein forms P642S.
Identifiers: ClinVar variation 1356895 (VCV001356895.4), dbSNP rs1257057591, ClinGen allele CA365744371.

ClinVar aggregate classification (germline): Uncertain significance. Review status: criteria provided, multiple submitters, no conflicts (2 of 4 stars). 2 submissions from 2 submitters: Uncertain significance (2). Last evaluated 2021-10-18.

Conditions:
Joubert syndrome. Also called: CEREBELLOPARENCHYMAL DISORDER IV; JOUBERT-BOLTSHAUSER SYNDROME; Familial aplasia of the vermis. Identifiers: Orphanet 475, MedGen C5979921, MONDO:0018772.
Joubert syndrome 3 (JBTS3). Also called: AHI1-related Ciliopathy. Identifiers: Orphanet 220493, MedGen C1837713, MONDO:0012078, OMIM 608629.

Allele frequency attached by ClinVar (database versions not stated): gnomAD exomes below 0.00001 and 0.00001; gnomAD 0.00001.
gnomAD v4.1: 3 of 1,543,822 alleles (0.00019%); highest among the groups gnomAD compares: Non-Finnish European, 0.00018%; no homozygotes.

Submissions (2):

Fulgent Genetics
Classification: Uncertain significance for Joubert syndrome 3. Last evaluated: 2021-10-18. Review status: criteria provided, single submitter. Criteria: ACMG Guidelines, 2015. Collection method: clinical testing. Allele origin: unknown.

Labcorp Genetics (formerly Invitae), Labcorp
Classification: Uncertain significance for Joubert syndrome. Last evaluated: 2021-07-27. Review status: criteria provided, single submitter. Criteria: Invitae Variant Classification Sherloc (09022015). Collection method: clinical testing. Allele origin: germline.
Comment: This sequence change replaces proline with serine at codon 642 of the AHI1 protein (p.Pro642Ser). The proline residue is highly conserved and there is a moderate physicochemical difference between proline and serine. This variant is not present in population databases (ExAC no frequency). This variant has not been reported in the literature in individuals affected with AHI1-related conditions. Algorithms developed to predict the effect of missense changes on protein structure and function are either unavailable or do not agree on the potential impact of this missense change (SIFT: "Deleterious"; PolyPhen-2: "Probably Damaging"; Align-GVGD: "Class C0"). In summary, the available evidence is currently insufficient to determine the role of this variant in disease. Therefore, it has been classified as a Variant of Uncertain Significance.